The following is an entry in ClinVar:

ClinVar aggregate classification (germline): Uncertain significance (1 of 4 stars; one submission).

Allele frequency attached by ClinVar (database versions not stated): TOPMed 0.00001.

Submission:

Labcorp Genetics (formerly Invitae), Labcorp
Classification: Uncertain significance. Last evaluated: 2022-06-07. Review status: criteria provided, single submitter. Criteria: Invitae Variant Classification Sherloc (09022015). Collection method: clinical testing. Allele origin: germline.
Comment: This sequence change replaces isoleucine, which is neutral and non-polar, with threonine, which is neutral and polar, at codon 240 of the KLHL9 protein (p.Ile240Thr). This variant is not present in population databases (gnomAD no frequency). This variant has not been reported in the literature in individuals affected with KLHL9-related conditions. Algorithms developed to predict the effect of missense changes on protein structure and function are either unavailable or do not agree on the potential impact of this missense change (SIFT: "Not Available"; PolyPhen-2: "Probably Damaging"; Align-GVGD: "Not Available"). In summary, the available evidence is currently insufficient to determine the role of this variant in disease. Therefore, it has been classified as a Variant of Uncertain Significance.

NM_018847.4(KLHL9):c.719T>C (p.Ile240Thr)

Gene: KLHL9 (kelch like family member 9; minus strand). Cytogenetic location: 9p21.3.
Variant type: single nucleotide variant.
Coding change: c.719T>C on transcript NM_018847.4 (MANE Select); coding-DNA position 719, T replaced by C.
Protein change: p.Ile240Thr; replaces isoleucine 240 with threonine.
Molecular consequence: missense variant.
Genome position (GRCh38, 1-based): chr9:21,334,141, A>G on the plus strand (T>C on the coding strand, the complement: KLHL9 is on the minus strand). VCF-style: chr9-21334141-A-G. GRCh37 (hg19) VCF-style: chr9-21334140-A-G.
Other names: short protein forms I240T.
Identifiers: ClinVar variation 2042015 (VCV002042015.4), dbSNP rs1485612640, ClinGen allele CA373071553.